The following is an entry in ClinVar:

ClinVar aggregate classification (germline): Pathogenic (1 of 4 stars; one submission).

Conditions:
Mitochondrial DNA depletion syndrome 13. Also called: FBXL4-Related Encephalomyopathic Mitochondrial DNA Depletion Syndrome; Mitochondrial DNA depletion syndrome 13 (encephalomyopathic type). Identifiers: Orphanet 369897, MedGen C3809592, MONDO:0014198, OMIM 615471.

Allele frequency attached by ClinVar (database versions not stated): gnomAD exomes below 0.00001.
gnomAD v4.1: 1 of 1,580,068 alleles (0.000063%); highest among the groups gnomAD compares: East Asian, 0.0022%; no homozygotes.

Submission:

Wong Mito Lab, Molecular and Human Genetics, Baylor College of Medicine
Classification: Pathogenic for Mitochondrial DNA depletion syndrome 13. Last evaluated: 2017-08-10. Review status: criteria provided, single submitter. Criteria: ACMG Guidelines, 2015. Collection method: clinical testing. Allele origin: germline. Affected: yes.
Comment: The NM_012160.4:c.513-1G>A (NP_036292.2:p.=) [GRCH38: NC_000006.12:g.98917720C>T] variant in FBXL4 gene is interpretated to be a Pathogenic based on ACMG guidelines (PMID: 25741868). This variant has been reported in PMID:25868664 . This variant meets one or more of the following evidence codes reported in the ACMG-guideline. PVS1:This variant is a predcted null variant in FBXL4 where loss of function is a known mechanism of disease. PM2:This variant is absent in key population databases. PP4:Patientâ€™s phenotype or family history is highly specific for FBXL4. PP5:Reputable source(s) suggest that the variant is pathogenic. Based on this evidence code ClinGen Pathogenicity Calculator (PMID:28081714) suggested that the variant is Pathogenic.

Literature cited by the submitters: PubMed 25868664.

NM_001278716.2(FBXL4):c.513-1G>A

Gene: FBXL4 (F-box and leucine rich repeat protein 4; minus strand). Cytogenetic location: 6q16.2.
Variant type: single nucleotide variant.
Coding change: c.513-1G>A on transcript NM_001278716.2 (MANE Select); the canonical splice acceptor site of the intron before coding-DNA position 513, G replaced by A.
Molecular consequence: splice acceptor variant.
Genome position (GRCh38, 1-based): chr6:98,917,720, C>T on the plus strand (G>A on the coding strand, the complement: FBXL4 is on the minus strand). VCF-style: chr6-98917720-C-T. GRCh37 (hg19) VCF-style: chr6-99365596-C-T.
Other names: c.513-1G>A (NM_012160.5).
Identifiers: ClinVar variation 437500 (VCV000437500.1), dbSNP rs1554221258, ClinGen allele CA16021030.